The following is an entry in ClinVar:

ClinVar aggregate classification (germline): Uncertain significance (1 of 4 stars; one submission).

Conditions:
Neurodevelopmental disorder. Identifiers: MedGen C1535926, MeSH D065886, MONDO:0700092.

Submission:

Developmental Brain Disorders Lab, Seattle Children's Hospital
Classification: Uncertain significance for Neurodevelopmental disorder. Last evaluated: 2025-05-01. Review status: criteria provided, single submitter. Criteria: ACMG Guidelines, 2015. Collection method: research. Allele origin: maternal. Affected: yes.
Comment: This is a missense variant that is absent in gnomAD v4.1.0. It is predicted to have a deleterious effect through computational prediction tools. It meets ACMG variant classification criteria (PM2, PP3) (PMID:25741868)

NM_001282874.2(SMARCA1):c.2681A>T (p.Glu894Val)

Gene: SMARCA1 (SNF2 related chromatin remodeling ATPase 1; minus strand). Cytogenetic location: Xq25.
Variant type: single nucleotide variant.
Coding change: c.2681A>T on transcript NM_001282874.2 (MANE Select); coding-DNA position 2681, A replaced by T.
Protein change: p.Glu894Val; replaces glutamic acid 894 with valine.
Molecular consequence: missense variant.
Genome position (GRCh38, 1-based): chrX:129,468,790, T>A on the plus strand (A>T on the coding strand, the complement: SMARCA1 is on the minus strand). VCF-style: chrX-129468790-T-A. GRCh37 (hg19) VCF-style: chrX-128602767-T-A.
Other names: c.2645A>T, p.Glu882Val (NM_001282875.2, NM_001378262.1, NM_001378263.1 and 1 more transcripts); c.2681A>T, p.Glu894Val (NM_001378261.1, NM_003069.5); short protein forms E882V, E894V.
Identifiers: ClinVar variation 3901134 (VCV003901134.1).